The following is an entry in ClinVar:

ClinVar aggregate classification (germline): Pathogenic. Review status: criteria provided, multiple submitters, no conflicts (2 of 4 stars). 4 submissions from 4 submitters: Pathogenic (3). 1 of the submissions does not count toward it. Last evaluated 2021-11-07.

Conditions:
Ornithine carbamoyltransferase deficiency (OTCD). Also called: OTC DEFICIENCY; Ornithine Carbamoyltransferase Deficiency Disease; ORNITHINE TRANSCARBAMYLASE DEFICIENCY; ORNITHINE TRANSCARBAMYLASE DEFICIENCY, HYPERAMMONEMIA DUE TO. Identifiers: Orphanet 664, MedGen C0268542, MONDO:0010703, OMIM 311250.

Submissions (4):

Genome-Nilou Lab
Classification: Pathogenic for Ornithine carbamoyltransferase deficiency. Last evaluated: 2021-11-07. Review status: criteria provided, single submitter. Criteria: ACMG Guidelines, 2015. Collection method: clinical testing. Allele origin: germline. Affected: no.

CeGaT Center for Human Genetics Tuebingen
Classification: Pathogenic. Last evaluated: 2019-07-01. Review status: criteria provided, single submitter. Criteria: CeGaT Center For Human Genetics Tuebingen Variant Classification Criteria Version 2. Collection method: clinical testing. Allele origin: germline. Affected: yes. Observed: 2 variant alleles.

Labcorp Genetics (formerly Invitae), Labcorp
Classification: Pathogenic for Ornithine carbamoyltransferase deficiency. Last evaluated: 2018-06-13. Review status: criteria provided, single submitter. Criteria: Invitae Variant Classification Sherloc (09022015). Collection method: clinical testing. Allele origin: germline.
Comment: Algorithms developed to predict the effect of missense changes on protein structure and function (SIFT, PolyPhen-2, Align-GVGD) all suggest that this variant is likely to be disruptive, but these predictions have not been confirmed by published functional studies and their clinical significance is uncertain. Other different missense substitutions at this codon (p.Val315Gly, p.Val315Phe) have been reported in the literature in individuals affected with OTC deficieny (PMID: 10946359, 16786505). This variant has been reported in an individual affected with OTC deficiency (PMID: 10946359). ClinVar contains an entry for this variant (Variation ID: 97366). This sequence change replaces valine with aspartic acid at codon 315 of the OTC protein (p.Val315Asp). The valine residue is highly conserved and there is a large physicochemical difference between valine and aspartic acid. This variant is not present in population databases (ExAC no frequency). For these reasons, this variant has been classified as Pathogenic.

GenMed Metabolism Lab
Classification: Pathogenic. Review status: no assertion criteria provided. Collection method: not provided. Allele origin: unknown. Not counted in ClinVar's aggregate classification.
ClinVar note: Converted during submission from pathogenic to Pathogenic.

Literature cited by the submitters: PubMed 10946359 (cited by Labcorp Genetics (formerly Invitae), Labcorp); PubMed 16786505 (cited by Labcorp Genetics (formerly Invitae), Labcorp).

NM_000531.6(OTC):c.944T>A (p.Val315Asp)

Gene: OTC (ornithine transcarbamylase; plus strand). Cytogenetic location: Xp11.4.
Variant type: single nucleotide variant.
Coding change: c.944T>A on transcript NM_000531.6 (MANE Select); coding-DNA position 944, T replaced by A.
Protein change: p.Val315Asp; replaces valine 315 with aspartic acid.
Molecular consequence: missense variant.
Genome position (GRCh38, 1-based): chrX:38,411,938, T>A. VCF-style: chrX-38411938-T-A. GRCh37 (hg19) VCF-style: chrX-38271191-T-A.
Other names: short protein forms V315D.
Identifiers: ClinVar variation 97366 (VCV000097366.51), dbSNP rs67414444, ClinGen allele CA224848.